The following is an entry in ClinVar:

NM_001365999.1(SZT2):c.4414C>T (p.Arg1472Trp)

Gene: SZT2 (SZT2 subunit of KICSTOR complex; plus strand). Cytogenetic location: 1p34.2.
Variant type: single nucleotide variant.
Coding change: c.4414C>T on transcript NM_001365999.1 (MANE Select); coding-DNA position 4414, C replaced by T.
Protein change: p.Arg1472Trp; replaces arginine 1472 with tryptophan.
Molecular consequence: missense variant.
Genome position (GRCh38, 1-based): chr1:43,430,323, C>T. VCF-style: chr1-43430323-C-T. GRCh37 (hg19) VCF-style: chr1-43895994-C-T.
Other names: c.4243C>T, p.Arg1415Trp (NM_015284.4); short protein forms R1415W, R1472W.
Identifiers: ClinVar variation 837745 (VCV000837745.31), dbSNP rs775105626, ClinGen allele CA809289.

ClinVar aggregate classification (germline): Uncertain significance. Review status: criteria provided, multiple submitters, no conflicts (2 of 4 stars). 4 submissions from 4 submitters: Uncertain significance (4). Last evaluated 2025-08-05.

Conditions:
Inborn genetic diseases. Identifiers: MedGen C0950123, MeSH D030342.
Developmental and epileptic encephalopathy, 18 (DEE18). Also called: Early infantile epileptic encephalopathy 18. Identifiers: Orphanet 369894, MedGen C3809624, MONDO:0014201, OMIM 615476.

Allele frequency attached by ClinVar (database versions not stated): ExAC 0.00003; gnomAD exomes 0.00003 and 0.00005; TOPMed 0.00004; gnomAD 0.00005.

Submissions (4):

Ambry Genetics
Classification: Uncertain significance for Inborn genetic diseases. Last evaluated: 2025-08-05. Review status: criteria provided, single submitter. Criteria: Ambry Variant Classification Scheme 2023. Collection method: clinical testing. Allele origin: germline.

Labcorp Genetics (formerly Invitae), Labcorp
Classification: Uncertain significance. Last evaluated: 2024-10-15. Review status: criteria provided, single submitter. Criteria: Invitae Variant Classification Sherloc (09022015). Collection method: clinical testing. Allele origin: germline.
Comment: This sequence change replaces arginine, which is basic and polar, with tryptophan, which is neutral and slightly polar, at codon 1415 of the SZT2 protein (p.Arg1415Trp). This variant is present in population databases (rs775105626, gnomAD 0.009%). This variant has not been reported in the literature in individuals affected with SZT2-related conditions. ClinVar contains an entry for this variant (Variation ID: 837745). Invitae Evidence Modeling of protein sequence and biophysical properties (such as structural, functional, and spatial information, amino acid conservation, physicochemical variation, residue mobility, and thermodynamic stability) has been performed for this missense variant. However, the output from this modeling did not meet the statistical confidence thresholds required to predict the impact of this variant on SZT2 protein function. In summary, the available evidence is currently insufficient to determine the role of this variant in disease. Therefore, it has been classified as a Variant of Uncertain Significance.

Genome-Nilou Lab
Classification: Uncertain significance for Developmental and epileptic encephalopathy, 18. Last evaluated: 2023-04-11. Review status: criteria provided, single submitter. Criteria: ACMG Guidelines, 2015. Collection method: clinical testing. Allele origin: germline. Affected: no.

CeGaT Center for Human Genetics Tuebingen
Classification: Uncertain significance. Last evaluated: 2023-01-01. Review status: criteria provided, single submitter. Criteria: CeGaT Center For Human Genetics Tuebingen Variant Classification Criteria Version 2. Collection method: clinical testing. Allele origin: germline. Affected: yes. Observed: 1 variant allele.
Comment: SZT2: PM2, BP4